The following is an entry in ClinVar:

ClinVar aggregate classification (germline): Pathogenic (1 of 4 stars; one submission).

Conditions:
Early-infantile DEE. Also called: Ohtahara syndrome; Early infantile epileptic encephalopathy; Early infantile epileptic encephalopathy with suppression bursts. Identifiers: Orphanet 1934, MedGen C0393706, MONDO:0800491.

Submission:

Labcorp Genetics (formerly Invitae), Labcorp
Classification: Pathogenic for Early-infantile DEE. Last evaluated: 2024-10-17. Review status: criteria provided, single submitter. Criteria: Invitae Variant Classification Sherloc (09022015). Collection method: clinical testing. Allele origin: germline.
Comment: This sequence change creates a premature translational stop signal (p.His759Argfs*12) in the SCN1A gene. It is expected to result in an absent or disrupted protein product. Loss-of-function variants in SCN1A are known to be pathogenic (PMID: 17347258, 18930999). This variant is not present in population databases (gnomAD no frequency). This variant has not been reported in the literature in individuals affected with SCN1A-related conditions. For these reasons, this variant has been classified as Pathogenic.

Literature cited by the submitters: PubMed 17347258; PubMed 18930999.

NM_001165963.4(SCN1A):c.2276_2277del (p.His759fs)

Gene: SCN1A (sodium voltage-gated channel alpha subunit 1; minus strand). Cytogenetic location: 2q24.3.
Variant type: Deletion.
Coding change: c.2276_2277del on transcript NM_001165963.4 (MANE Select); coding-DNA positions 2276 to 2277, 2 bases deleted (AT; older notation c.2276_2277delAT).
Protein change: p.His759fs; shifts the reading frame from histidine 759.
Molecular consequence: frameshift variant. On other transcripts: 5 prime UTR variant (1), non-coding transcript variant (1).
Genome position (GRCh38, 1-based): chr2:166,041,369-166,041,370, AT deleted on the plus strand (AT on the coding strand, the reverse complement: SCN1A is on the minus strand). VCF-style (leftmost placement, unchanged base first): chr2-166041368-CAT-C. GRCh37 (hg19) VCF-style: chr2-166897878-CAT-C.
Other names: c.2192_2193del, p.His731fs (NM_001165964.3, NM_001353957.2, NM_001353958.2); c.2276_2277del, p.His759fs (NM_001202435.3, NM_001353948.2); c.2243_2244del, p.His748fs (NM_001353949.2, NM_001353950.2, NM_001353951.2 and 2 more transcripts); c.2240_2241del, p.His747fs (NM_001353954.2, NM_001353955.2); c.2189_2190del, p.His730fs (NM_001353960.2); c.-183_-182del (NM_001353961.2); short protein forms H759fs, H747fs, H730fs, H731fs, H748fs.
Identifiers: ClinVar variation 2749231 (VCV002749231.3), dbSNP rs2468131662, ClinGen allele CA2697551225.